The following is an entry in ClinVar:

NM_032043.3(BRIP1):c.700AAG[1] (p.Lys235del)

Gene: BRIP1 (BRCA1 interacting DNA helicase 1; minus strand). Cytogenetic location: 17q23.2.
Variant type: Microsatellite.
Coding change: c.700AAG[1] on transcript NM_032043.3 (MANE Select); one copy of the 3-base unit AAG starting at c.700; the reference has two copies in a row; one copy, 3 bases deleted; also written c.703_705del.
Protein change: p.Lys235del; deletes lysine 235.
Molecular consequence: inframe deletion.
Genome position (GRCh38, 1-based): chr17:61,808,680-61,808,682, CTT deleted on the plus strand (AAG on the coding strand, the reverse complement: BRIP1 is on the minus strand); deleting any 3 consecutive bases within chr17:61,808,680-61,808,685 gives the same sequence; the position shown is the placement nearest the transcript's 3' end. VCF-style (leftmost placement, unchanged base first): chr17-61808679-CCTT-C. GRCh37 (hg19) VCF-style: chr17-59886040-CCTT-C.
Other names: c.703_705delAAG (NM_032043.2); c.703_705del (NM_032043.3); short protein forms K235del.
Identifiers: ClinVar variation 231808 (VCV000231808.23), dbSNP rs876659379, ClinGen allele CA10580862.

ClinVar aggregate classification (germline): Uncertain significance. Review status: criteria provided, multiple submitters, no conflicts (2 of 4 stars). 5 submissions from 5 submitters: Uncertain significance (5). Last evaluated 2025-12-22.

Conditions:
Hereditary cancer-predisposing syndrome. Also called: Hereditary Cancer Syndrome; Neoplastic Syndromes, Hereditary; Tumor predisposition; Hereditary neoplastic syndrome. Identifiers: Orphanet 140162, MedGen C0027672, MeSH D009386, MONDO:0015356.
Fanconi anemia complementation group J. Also called: BRIP1-Related Fanconi Anemia. Identifiers: Orphanet 84, MedGen C1836860, MONDO:0012187, OMIM 609054.
Familial cancer of breast. Also called: Hereditary breast cancer; hereditary breast carcinoma; BREAST CANCER, FAMILIAL. Identifiers: Orphanet 227535, MedGen C0346153, MONDO:0016419, OMIM 114480. Disease mechanism: loss of function.

Submissions (5):

Labcorp Genetics (formerly Invitae), Labcorp
Classification: Uncertain significance for Familial cancer of breast; Fanconi anemia complementation group J. Last evaluated: 2025-12-22. Review status: criteria provided, single submitter. Criteria: Invitae Variant Classification Sherloc (09022015). Collection method: clinical testing. Allele origin: germline.
Comment: This variant, c.703_705del, results in the deletion of 1 amino acid(s) of the BRIP1 protein (p.Lys235del), but otherwise preserves the integrity of the reading frame. This variant is present in population databases (no rsID available, gnomAD 0.0009%). This variant has not been reported in the literature in individuals affected with BRIP1-related conditions. ClinVar contains an entry for this variant (Variation ID: 231808). Experimental studies and prediction algorithms are not available or were not evaluated, and the functional significance of this variant is currently unknown. In summary, the available evidence is currently insufficient to determine the role of this variant in disease. Therefore, it has been classified as a Variant of Uncertain Significance.

Ambry Genetics
Classification: Uncertain significance for Hereditary cancer-predisposing syndrome. Last evaluated: 2024-11-21. Review status: criteria provided, single submitter. Criteria: Ambry Variant Classification Scheme 2023. Collection method: clinical testing. Allele origin: germline.
Comment: The c.703_705delAAG variant (also known as p.K235del) is located in coding exon 6 of the BRIP1 gene. This variant results from an in-frame AAG deletion at nucleotide positions 703 to 705. This results in the in-frame deletion of a lysine at codon 235. The deleted amino acid position is highly conserved in available vertebrate species. In addition, the in silico prediction for this alteration is inconclusive (Choi Y et al. PLoS ONE. 2012; 7(10):e46688). Based on the available evidence, the clinical significance of this variant remains unclear.

Color Diagnostics, LLC DBA Color Health
Classification: Uncertain significance for Hereditary cancer-predisposing syndrome. Last evaluated: 2024-09-19. Review status: criteria provided, single submitter. Criteria: ACMG Guidelines, 2015. Collection method: clinical testing. Allele origin: germline.
Comment: This variant causes the deletion of one amino acid in exon 7 of the BRIP1 protein. To our knowledge, functional studies have not been reported for this variant. This variant has not been reported in individuals affected with BRIP1-related disorders in the literature. This variant has been identified in 1/251144 chromosomes in the general population by the Genome Aggregation Database (gnomAD). The available evidence is insufficient to determine the role of this variant in disease conclusively. Therefore, this variant is classified as a Variant of Uncertain Significance.

Baylor Genetics
Classification: Uncertain significance for Familial cancer of breast. Last evaluated: 2024-02-05. Review status: criteria provided, single submitter. Criteria: ACMG Guidelines, 2015. Collection method: clinical testing. Allele origin: unknown.

GeneDx
Classification: Uncertain significance. Last evaluated: 2023-11-05. Review status: criteria provided, single submitter. Criteria: GeneDx Variant Classification Process June 2021. Collection method: clinical testing. Allele origin: germline. Affected: yes.
Comment: In-frame deletion of 1 amino acid in a non-repeat region; Has not been previously published as pathogenic or benign to our knowledge; Not observed at significant frequency in large population cohorts (gnomAD); In silico analysis supports a deleterious effect on protein structure/function